The following is an entry in ClinVar:

ClinVar aggregate classification (germline): Conflicting classifications of pathogenicity. Review status: criteria provided, conflicting classifications (1 of 4 stars). 2 submissions from 2 submitters: Uncertain significance (1); Likely benign (1). Last evaluated 2025-04-09.

Conditions:
Autosomal recessive limb-girdle muscular dystrophy type 2J (LGMDR10). Also called: Limb-girdle muscular dystrophy, type 2J; MUSCULAR DYSTROPHY, LIMB-GIRDLE, AUTOSOMAL RECESSIVE 10. Identifiers: Orphanet 140922, MedGen C1837342, MONDO:0012127, OMIM 608807.
Dilated cardiomyopathy 1G (CMD1G). Identifiers: Orphanet 154, MedGen C1858763, MONDO:0011400, OMIM 604145.

gnomAD v4.1: 5 of 1,613,786 alleles (0.00031%); highest among the groups gnomAD compares: Non-Finnish European, 0.00034%; no homozygotes.

Submissions (2):

Molecular Diagnostic Laboratory for Inherited Cardiovascular Disease, Montreal Heart Institute
Classification: Likely benign. Last evaluated: 2025-04-09. Review status: criteria provided, single submitter. Criteria: ACMG Guidelines, 2015. Collection method: clinical testing. Allele origin: germline. Affected: no.
Comment: BP1

Labcorp Genetics (formerly Invitae), Labcorp
Classification: Uncertain significance for Dilated cardiomyopathy 1G; Autosomal recessive limb-girdle muscular dystrophy type 2J. Last evaluated: 2024-04-15. Review status: criteria provided, single submitter. Criteria: Invitae Variant Classification Sherloc (09022015). Collection method: clinical testing. Allele origin: germline.
Comment: This sequence change replaces arginine, which is basic and polar, with histidine, which is basic and polar, at codon 34960 of the TTN protein (p.Arg34960His). This variant is not present in population databases (gnomAD no frequency). This missense change has been observed in individual(s) with dilated cardiomyopathy (PMID: 31983221). Algorithms developed to predict the effect of missense changes on protein structure and function output the following: SIFT: "Not Available"; PolyPhen-2: "Not Available"; Align-GVGD: "Not Available". The histidine amino acid residue is found in multiple mammalian species, which suggests that this missense change does not adversely affect protein function. This variant is located in the M band of TTN (PMID: 25589632). Non-truncating variants in this region may be relevant for neuromuscular disorders, but have not been definitively shown to cause cardiomyopathy (PMID: 23975875). In summary, the available evidence is currently insufficient to determine the role of this variant in disease. Therefore, it has been classified as a Variant of Uncertain Significance.

Literature cited by the submitters: PubMed 31983221 (cited by Labcorp Genetics (formerly Invitae), Labcorp); PubMed 25589632 (cited by Labcorp Genetics (formerly Invitae), Labcorp); PubMed 23975875 (cited by Labcorp Genetics (formerly Invitae), Labcorp).

NM_001267550.2(TTN):c.104879G>A (p.Arg34960His)

Genes: TTN-AS1 (TTN antisense RNA 1; plus strand), TTN (titin; minus strand). Cytogenetic location: 2q31.2.
Variant type: single nucleotide variant.
Coding change: c.104879G>A on transcript NM_001267550.2 (MANE Select); coding-DNA position 104879, G replaced by A.
Protein change: p.Arg34960His; replaces arginine 34960 with histidine.
Molecular consequence: missense variant.
Genome position (GRCh38, 1-based): chr2:178,531,736, C>T on the plus strand (G>A on the coding strand, the complement: TTN is on the minus strand). VCF-style: chr2-178531736-C-T. GRCh37 (hg19) VCF-style: chr2-179396463-C-T.
Other names: c.99956G>A, p.Arg33319His (NM_001256850.1); c.77684G>A, p.Arg25895His (NM_003319.4); c.97175G>A, p.Arg32392His (NM_133378.4); c.78059G>A, p.Arg26020His (NM_133432.3); c.78260G>A, p.Arg26087His (NM_133437.4); short protein forms R25895H, R26020H, R26087H, R32392H, R33319H, R34960H.
Identifiers: ClinVar variation 3761821 (VCV003761821.3), dbSNP rs1352552140.